The following is an entry in ClinVar:

ClinVar aggregate classification (germline): Pathogenic (1 of 4 stars; one submission).

Conditions:
Hereditary cancer-predisposing syndrome. Also called: Neoplastic Syndromes, Hereditary; Tumor predisposition; Hereditary neoplastic syndrome; Hereditary Cancer Syndrome. Identifiers: Orphanet 140162, MedGen C0027672, MeSH D009386, MONDO:0015356.

Submission:

Ambry Genetics
Classification: Pathogenic for Hereditary cancer-predisposing syndrome. Last evaluated: 2018-09-14. Review status: criteria provided, single submitter. Criteria: Ambry Variant Classification Scheme 2023. Collection method: clinical testing. Allele origin: germline.
Comment: The c.3816_3840dup25 variant, located in coding exon 9 of the MSH6 gene, results from a duplication of 25 nucleotides at positions 3816 to 3840, causing a translational frameshift with a predicted alternate stop codon (p.E1281Kfs*2). This alteration is expected to result in loss of function by premature protein truncation or nonsense-mediated mRNA decay. As such, this alteration is interpreted as a disease-causing mutation.

NM_000179.3(MSH6):c.3816_3840dup (p.Glu1281delinsLysTer)

Gene: MSH6 (mutS homolog 6; plus strand). Cytogenetic location: 2p16.3.
Variant type: Duplication.
Coding change: c.3816_3840dup on transcript NM_000179.3 (MANE Select); coding-DNA positions 3816 to 3840, 25 bases duplicated (AAATGAATGTGAAGACCCCAGCCAG).
Protein change: p.Glu1281delinsLysTer.
Molecular consequence: nonsense.
Genome position (GRCh38, 1-based): chr2:47,806,466-47,806,490, AAATGAATGTGAAGACCCCAGCCAG duplicated. VCF-style (leftmost placement, unchanged base first): chr2-47806465-A-AAAATGAATGTGAAGACCCCAGCCAG. GRCh37 (hg19) VCF-style: chr2-48033604-A-AAAATGAATGTGAAGACCCCAGCCAG.
Other names: c.3426_3450dup, p.Glu1151delinsLysTer (NM_001281492.2); c.2910_2934dup, p.Glu979delinsLysTer (NM_001281493.2, NM_001281494.2).
Identifiers: ClinVar variation 824255 (VCV000824255.4), dbSNP rs1572746192, ClinGen allele CA915943976.